The following is an entry in ClinVar:

ClinVar aggregate classification (germline): Uncertain significance (1 of 4 stars; one submission).

Conditions:
Immunodeficiency due to CD25 deficiency. Also called: CD25 DEFICIENCY; IL2RA DEFICIENCY; IMMUNODEFICIENCY 41 WITH LYMPHOPROLIFERATION AND AUTOIMMUNITY. Identifiers: Orphanet 169100, MedGen C1853392, MONDO:0011664, OMIM 606367.

gnomAD v4.1: 1 of 1,605,246 alleles (0.000062%); highest among the groups gnomAD compares: Non-Finnish European, 0.000085%; no homozygotes.

Submission:

Labcorp Genetics (formerly Invitae), Labcorp
Classification: Uncertain significance for Immunodeficiency due to CD25 deficiency. Last evaluated: 2025-12-03. Review status: criteria provided, single submitter. Criteria: Invitae Variant Classification Sherloc (09022015). Collection method: clinical testing. Allele origin: germline.
Comment: This sequence change replaces threonine, which is neutral and polar, with serine, which is neutral and polar, at codon 87 of the IL2RA protein (p.Thr87Ser). This variant is not present in population databases (gnomAD no frequency). This variant has not been reported in the literature in individuals affected with IL2RA-related conditions. Invitae Evidence Modeling of protein sequence and biophysical properties (such as structural, functional, and spatial information, amino acid conservation, physicochemical variation, residue mobility, and thermodynamic stability) indicates that this missense variant is not expected to disrupt IL2RA protein function with a negative predictive value of 80%. In summary, the available evidence is currently insufficient to determine the role of this variant in disease. Therefore, it has been classified as a Variant of Uncertain Significance.

NM_000417.3(IL2RA):c.259A>T (p.Thr87Ser)

Gene: IL2RA (interleukin 2 receptor subunit alpha; minus strand). Cytogenetic location: 10p15.1.
Variant type: single nucleotide variant.
Coding change: c.259A>T on transcript NM_000417.3 (MANE Select); coding-DNA position 259, A replaced by T.
Protein change: p.Thr87Ser; replaces threonine 87 with serine.
Molecular consequence: missense variant.
Genome position (GRCh38, 1-based): chr10:6,024,352, T>A on the plus strand (A>T on the coding strand, the complement: IL2RA is on the minus strand). VCF-style: chr10-6024352-T-A. GRCh37 (hg19) VCF-style: chr10-6066315-T-A.
Other names: c.259A>T, p.Thr87Ser (NM_001308242.2, NM_001308243.2); short protein forms T87S.
Identifiers: ClinVar variation 4740670 (VCV004740670.1).